The following is an entry in ClinVar:

ClinVar aggregate classification (germline): Pathogenic/Likely pathogenic. Review status: criteria provided, multiple submitters, no conflicts (2 of 4 stars). 2 submissions from 2 submitters: Pathogenic (1); Likely pathogenic (1). Last evaluated 2019-04-09.

Conditions:
Duchenne muscular dystrophy (DMD). Also called: Duchenne Muscular Dystrophy (DMD); MUSCULAR DYSTROPHY, PSEUDOHYPERTROPHIC PROGRESSIVE, DUCHENNE TYPE. Identifiers: Orphanet 98896, MedGen C0013264, MONDO:0010679, OMIM 310200.

Submissions (2):

Labcorp Genetics (formerly Invitae), Labcorp
Classification: Likely pathogenic for Duchenne muscular dystrophy. Last evaluated: 2019-04-09. Review status: criteria provided, single submitter. Criteria: Invitae Variant Classification Sherloc (09022015). Collection method: clinical testing. Allele origin: germline.
Comment: This sequence change falls in intron 75 of the DMD gene. It does not directly change the encoded amino acid sequence of the DMD protein, but it affects a nucleotide within the consensus splice site of the intron. This variant is not present in population databases (ExAC no frequency). This variant has been observed in an individual affected with Becker muscular dystrophy (PMID: 26836830). ClinVar contains an entry for this variant (Variation ID: 94447). Nucleotide substitutions within the consensus splice site are a relatively common cause of aberrant splicing (PMID: 17576681, 9536098). Experimental studies have shown that this variant disrupts mRNA splicing (PMID: 26836830). In summary, the currently available evidence indicates that the variant is pathogenic, but additional data are needed to prove that conclusively. Therefore, this variant has been classified as Likely Pathogenic.

Eurofins Ntd Llc (ga)
Classification: Pathogenic. Last evaluated: 2016-11-09. Review status: criteria provided, single submitter. Criteria: EGL Classification Definitions. Collection method: clinical testing. Allele origin: germline. Observed: 1 variant allele, 1 hemizygote.

Literature cited by the submitters: PubMed 26836830 (cited by Labcorp Genetics (formerly Invitae), Labcorp); PubMed 17576681 (cited by Labcorp Genetics (formerly Invitae), Labcorp); PubMed 9536098 (cited by Labcorp Genetics (formerly Invitae), Labcorp).

NM_004006.3(DMD):c.10797+5G>A

Gene: DMD (dystrophin; minus strand). Cytogenetic location: Xp21.2.
Variant type: single nucleotide variant.
Coding change: c.10797+5G>A on transcript NM_004006.3 (MANE Select); 5 bases into the intron after coding-DNA position 10797, G replaced by A.
Molecular consequence: intron variant.
Genome position (GRCh38, 1-based): chrX:31,147,270, C>T on the plus strand (G>A on the coding strand, the complement: DMD is on the minus strand). VCF-style: chrX-31147270-C-T. GRCh37 (hg19) VCF-style: chrX-31165387-C-T.
Other names: c.10773+5G>A (NM_000109.4); c.6774+5G>A (NM_004011.4); c.6765+5G>A (NM_004012.4); c.3087+5G>A (NM_004023.3, NM_004020.4); c.3378+5G>A (NM_004022.3); c.3417+5G>A (NM_004021.3, NM_004013.3); c.2610+5G>A (NM_004014.3); c.1554+5G>A (NM_004018.3, NM_004017.3); and 3 more.
Identifiers: ClinVar variation 94447 (VCV000094447.16), dbSNP rs398123846, ClinGen allele CA222283.